The following is an entry in ClinVar:

NM_000359.3(TGM1):c.519C>T (p.Pro173=)

Gene: TGM1 (transglutaminase 1; minus strand). Cytogenetic location: 14q12.
Variant type: single nucleotide variant.
Coding change: c.519C>T on transcript NM_000359.3 (MANE Select); coding-DNA position 519, C replaced by T.
Protein change: p.Pro173=; no amino-acid change (proline 173 retained).
Molecular consequence: synonymous variant.
Genome position (GRCh38, 1-based): chr14:24,260,688, G>A on the plus strand (C>T on the coding strand, the complement: TGM1 is on the minus strand). VCF-style: chr14-24260688-G-A. GRCh37 (hg19) VCF-style: chr14-24729894-G-A.
Identifiers: ClinVar variation 766335 (VCV000766335.18), dbSNP rs139811103, ClinGen allele CA7131371.

ClinVar aggregate classification (germline): Conflicting classifications of pathogenicity. Review status: criteria provided, conflicting classifications (1 of 4 stars). 4 submissions from 4 submitters: Uncertain significance (1); Likely benign (1). 2 of the submissions do not count toward it. Last evaluated 2026-01-21.

Conditions:
TGM1-related disorder. Also called: TGM1-related condition.
Autosomal recessive congenital ichthyosis 1 (LI1). Also called: ICHTHYOSIS, CONGENITAL, AUTOSOMAL RECESSIVE 1, WITH BATHING SUIT DISTRIBUTION; ICHTHYOSIS, CONGENITAL, AUTOSOMAL RECESSIVE 1, WITH OR WITHOUT BATHING SUIT DISTRIBUTION; DESQUAMATION OF NEWBORN; ICHTHYOSIS CONGENITA; ICHTHYOSIS CONGENITA II; LAMELLAR EXFOLIATION OF NEWBORN. Identifiers: MedGen C4551630, MONDO:0009441, OMIM 242300.

Allele frequency attached by ClinVar (database versions not stated): ExAC 0.00021; gnomAD exomes 0.00025 and 0.00051; gnomAD 0.00028 and 0.00029; TOPMed 0.00028; ESP Exome Variant Server 0.00085.
gnomAD v4.1: 774 of 1,613,956 alleles (0.048%); highest among the groups gnomAD compares: Non-Finnish European, 0.061%; no homozygotes.

Submissions (4):

Labcorp Genetics (formerly Invitae), Labcorp
Classification: Likely benign. Last evaluated: 2026-01-21. Review status: criteria provided, single submitter. Criteria: Invitae Variant Classification Sherloc (09022015). Collection method: clinical testing. Allele origin: germline.

Illumina Laboratory Services, Illumina
Classification: Uncertain significance for Autosomal recessive congenital ichthyosis 1. Last evaluated: 2018-01-13. Review status: criteria provided, single submitter. Criteria: ICSL Variant Classification Criteria 13 December 2019. Collection method: clinical testing. Allele origin: germline.

Natera, Inc.
Classification: Uncertain significance for Autosomal recessive congenital ichthyosis type 1. Last evaluated: 2020-01-17. Review status: no assertion criteria provided. Collection method: clinical testing. Allele origin: germline. Not counted in ClinVar's aggregate classification.

PreventionGenetics, part of Exact Sciences
Classification: Likely benign for TGM1-related condition. Last evaluated: 2019-10-09. Review status: no assertion criteria provided. Collection method: clinical testing. Allele origin: germline. Not counted in ClinVar's aggregate classification.
Comment: This variant is classified as likely benign based on ACMG/AMP sequence variant interpretation guidelines (Richards et al. 2015 PMID: 25741868, with internal and published modifications).